The following is an entry in ClinVar:

NM_006302.3(MOGS):c.1841T>G (p.Leu614Arg)

Gene: MOGS (mannosyl-oligosaccharide glucosidase; minus strand). Cytogenetic location: 2p13.1.
Variant type: single nucleotide variant.
Coding change: c.1841T>G on transcript NM_006302.3 (MANE Select); coding-DNA position 1841, T replaced by G.
Protein change: p.Leu614Arg; replaces leucine 614 with arginine.
Molecular consequence: missense variant.
Genome position (GRCh38, 1-based): chr2:74,461,948, A>C on the plus strand (T>G on the coding strand, the complement: MOGS is on the minus strand). VCF-style: chr2-74461948-A-C. GRCh37 (hg19) VCF-style: chr2-74689075-A-C.
Other names: c.1523T>G, p.Leu508Arg (NM_001146158.2); short protein forms L614R, L508R.
Identifiers: ClinVar variation 1389949 (VCV001389949.5), dbSNP rs930766378, ClinGen allele CA50475327.
Genomic context (GRCh38, chr2:74,461,948, plus strand): 5'-AGTGAGGCAGCCAGTGGGCCCAGCTCAGCAGCTACCTCAGCCTCACCCAGATGCTCTGCC[A>C]GCCGCGTCAGCACACGGGCACCCAGTGCCACCCAACATCGCAGGTCCAGGTGCCGCTCGG-3'
Protein context (NP_006293.2, residues 604-624): VALGARVLTR[Leu614Arg]AEHLGEAEVA

ClinVar aggregate classification (germline): Uncertain significance (1 of 4 stars; one submission).

Conditions:
MOGS-congenital disorder of glycosylation. Also called: CDG 2B; MOGS-CDG; CDG IIb; GLUCOSIDASE I DEFICIENCY. Identifiers: Orphanet 79330, MedGen C1853736, MONDO:0011629, OMIM 606056.

Allele frequency attached by ClinVar (database versions not stated): TOPMed below 0.00001.

Submission:

Labcorp Genetics (formerly Invitae), Labcorp
Classification: Uncertain significance for MOGS-congenital disorder of glycosylation. Last evaluated: 2022-07-26. Review status: criteria provided, single submitter. Criteria: Invitae Variant Classification Sherloc (09022015). Collection method: clinical testing. Allele origin: germline.
Comment: In summary, the available evidence is currently insufficient to determine the role of this variant in disease. Therefore, it has been classified as a Variant of Uncertain Significance. Algorithms developed to predict the effect of missense changes on protein structure and function (SIFT, PolyPhen-2, Align-GVGD) all suggest that this variant is likely to be disruptive. ClinVar contains an entry for this variant (Variation ID: 1389949). This variant has not been reported in the literature in individuals affected with MOGS-related conditions. This variant is not present in population databases (gnomAD no frequency). This sequence change replaces leucine, which is neutral and non-polar, with arginine, which is basic and polar, at codon 614 of the MOGS protein (p.Leu614Arg).